The following is an entry in ClinVar:

NM_016507.4(CDK12):c.3775A>G (p.Ile1259Val)

Gene: CDK12 (cyclin dependent kinase 12; plus strand). Cytogenetic location: 17q12.
Variant type: single nucleotide variant.
Coding change: c.3775A>G on transcript NM_016507.4 (MANE Select); coding-DNA position 3775, A replaced by G.
Protein change: p.Ile1259Val; replaces isoleucine 1259 with valine.
Molecular consequence: missense variant. On other transcripts: intron variant (1).
Genome position (GRCh38, 1-based): chr17:39,530,618, A>G. VCF-style: chr17-39530618-A-G. GRCh37 (hg19) VCF-style: chr17-37686871-A-G.
Other names: c.3761-13A>G (NM_015083.4); short protein forms I1259V.
Identifiers: ClinVar variation 3999288 (VCV003999288.1).

ClinVar aggregate classification (germline): Uncertain significance (1 of 4 stars; one submission).

gnomAD v4.1: 4 of 1,596,328 alleles (0.00025%); highest among the groups gnomAD compares: Non-Finnish European, 0.000085%; no homozygotes.

Submission:

Ambry Genetics
Classification: Uncertain significance. Last evaluated: 2025-03-29. Review status: criteria provided, single submitter. Criteria: Ambry Variant Classification Scheme 2023. Collection method: clinical testing. Allele origin: germline.
Comment: The p.I1259V variant (also known as c.3775A>G), located in coding exon 14 of the CDK12 gene, results from an A to G substitution at nucleotide position 3775. The isoleucine at codon 1259 is replaced by valine, an amino acid with highly similar properties. This amino acid position is conserved. In addition, this alteration is predicted to be tolerated by in silico analysis. Based on the available evidence, the clinical significance of this variant remains unclear.